The following is an entry in ClinVar:

ClinVar aggregate classification (germline): Likely benign. Review status: criteria provided, multiple submitters, no conflicts (2 of 4 stars). 8 submissions from 8 submitters: Likely benign (8). Last evaluated 2026-01-19.

Conditions:
SAMD9-related disorder. Also called: SAMD9-related condition.
MIRAGE syndrome. Also called: MYELODYSPLASIA, INFECTION, RESTRICTION OF GROWTH, ADRENAL HYPOPLASIA, GENITAL PHENOTYPES, AND ENTEROPATHY. Identifiers: Orphanet 494433, MedGen C4284088, MONDO:0014888, OMIM 617053.
Normophosphatemic familial tumoral calcinosis. Also called: CALCINOSIS, TUMORAL, WITH NORMOPHOSPHATEMIA. Identifiers: Orphanet 306658, Orphanet 53715, MedGen C1864861, MONDO:0012502, OMIM 610455.
Monosomy 7 myelodysplasia and leukemia syndrome 2. Identifiers: MedGen C5436668, MONDO:0030801, OMIM 619041.

Allele frequency attached by ClinVar (database versions not stated): ExAC 0.00032; gnomAD exomes 0.00041 and 0.00108; TOPMed 0.00045; ESP Exome Variant Server 0.00077.
gnomAD v4.1: 1,621 of 1,613,508 alleles (0.1%); highest among the groups gnomAD compares: Non-Finnish European, 0.13%; 5 homozygotes.

Submissions (8):

Labcorp Genetics (formerly Invitae), Labcorp
Classification: Likely benign. Last evaluated: 2026-01-19. Review status: criteria provided, single submitter. Criteria: Invitae Variant Classification Sherloc (09022015). Collection method: clinical testing. Allele origin: germline.

PreventionGenetics, part of Exact Sciences
Classification: Likely benign for SAMD9-related condition. Last evaluated: 2025-12-08. Review status: criteria provided, single submitter. Criteria: ACMG Guidelines, 2015. Collection method: clinical testing. Allele origin: germline.
Comment: This variant is classified as likely benign based on ACMG/AMP sequence variant interpretation guidelines (Richards et al. 2015 PMID: 25741868, with internal and published modifications).

CeGaT Center for Human Genetics Tuebingen
Classification: Likely benign. Last evaluated: 2025-07-01. Review status: criteria provided, single submitter. Criteria: CeGaT Center For Human Genetics Tuebingen Variant Classification Criteria Version 2. Collection method: clinical testing. Allele origin: germline. Affected: yes. Observed: 1 variant allele.
Comment: SAMD9: BP4

Blueprint Genetics
Classification: Likely benign. Last evaluated: 2024-11-19. Review status: criteria provided, single submitter. Criteria: ACMG Guidelines, 2015. Collection method: clinical testing. Allele origin: germline.

GeneDx
Classification: Likely benign. Last evaluated: 2024-07-23. Review status: criteria provided, single submitter. Criteria: GeneDx Variant Classification Process June 2021. Collection method: clinical testing. Allele origin: germline. Affected: yes.
Comment: See Variant Classification Assertion Criteria.

ARUP Laboratories, Molecular Genetics and Genomics, ARUP Laboratories
Classification: Likely benign. Last evaluated: 2024-04-24. Review status: criteria provided, single submitter. Criteria: ARUP Molecular Germline Variant Investigation Process 2024. Collection method: clinical testing. Allele origin: germline.

Genetic Services Laboratory, University of Chicago
Classification: Likely benign. Last evaluated: 2021-09-21. Review status: criteria provided, single submitter. Criteria: ACMG Guidelines, 2015. Collection method: clinical testing. Allele origin: germline. Affected: no.
Comment: DNA sequence analysis of the SAMD9 gene demonstrated a sequence change, c.2854G>C, in exon 3 that results in an amino acid change, p.Gly952Arg. This sequence change does not appear to have been previously described in patients with SAMD9-related disorders and has been described in the gnomAD database with a frequency of 0.09% in the European sub-population (dbSNP rs201505731). The c.2854G>C change affects a poorly conserved amino acid residue located in a domain of the SAMD9 protein that is not known to be functional. The c.2854G>C substitution appears to be benign using several in-silico pathogenicity prediction tools (SIFT, PolyPhen2, Align GVGD, REVEL). Due to these contrasting evidences and the lack of functional studies, the clinical significance of the c.2854G>C change remains unknown at this time.

Department of Pathology and Laboratory Medicine, Sinai Health System
Classification: Likely benign for Normophosphatemic familial tumoral calcinosis; MIRAGE syndrome; Monosomy 7 myelodysplasia and leukemia syndrome 2. Last evaluated: 2020-05-04. Review status: criteria provided, single submitter. Criteria: ACMG Guidelines, 2015. Collection method: research. Allele origin: germline.

NM_017654.4(SAMD9):c.2854G>C (p.Gly952Arg)

Gene: SAMD9 (sterile alpha motif domain containing 9; minus strand). Cytogenetic location: 7q21.2.
Variant type: single nucleotide variant.
Coding change: c.2854G>C on transcript NM_017654.4 (MANE Select); coding-DNA position 2854, G replaced by C.
Protein change: p.Gly952Arg; replaces glycine 952 with arginine.
Molecular consequence: missense variant.
Genome position (GRCh38, 1-based): chr7:93,103,244, C>G on the plus strand (G>C on the coding strand, the complement: SAMD9 is on the minus strand). VCF-style: chr7-93103244-C-G. GRCh37 (hg19) VCF-style: chr7-92732557-C-G.
Other names: c.2854G>C, p.Gly952Arg (NM_001193307.2); short protein forms G952R.
Identifiers: ClinVar variation 708564 (VCV000708564.24), dbSNP rs201505731, ClinGen allele CA4342777.